The following is an entry in ClinVar:

ClinVar aggregate classification (germline): Benign/Likely benign. Review status: criteria provided, multiple submitters, no conflicts (2 of 4 stars). 3 submissions from 3 submitters: Benign (1); Likely benign (1). 1 of the submissions does not count toward it. Last evaluated 2026-01-28.

Conditions:
RBM10-related disorder. Also called: RBM10-related condition.

Allele frequency attached by ClinVar (database versions not stated): 1000 Genomes Project 0.00106; 1000 Genomes Project 30x 0.00125; gnomAD exomes 0.00230 and 0.00388; TOPMed 0.00233; gnomAD 0.00244 and 0.00255; ExAC 0.00270; ESP Exome Variant Server 0.00360.
gnomAD v4.1: 4,456 of 1,205,499 alleles (0.37%); highest among the groups gnomAD compares: Non-Finnish European, 0.46%; 14 homozygotes.

Submissions (3):

Labcorp Genetics (formerly Invitae), Labcorp
Classification: Benign. Last evaluated: 2026-01-28. Review status: criteria provided, single submitter. Criteria: Invitae Variant Classification Sherloc (09022015). Collection method: clinical testing. Allele origin: germline.

Blueprint Genetics
Classification: Likely benign. Last evaluated: 2024-11-14. Review status: criteria provided, single submitter. Criteria: ACMG Guidelines, 2015. Collection method: clinical testing. Allele origin: germline.

PreventionGenetics, part of Exact Sciences
Classification: Benign for RBM10-related condition. Last evaluated: 2019-06-20. Review status: no assertion criteria provided. Collection method: clinical testing. Allele origin: germline. Not counted in ClinVar's aggregate classification.
Comment: This variant is classified as benign based on ACMG/AMP sequence variant interpretation guidelines (Richards et al. 2015 PMID: 25741868, with internal and published modifications).

NM_005676.5(RBM10):c.1536C>T (p.Ala512=)

Gene: RBM10 (RNA binding motif protein 10; plus strand). Cytogenetic location: Xp11.3.
Variant type: single nucleotide variant.
Coding change: c.1536C>T on transcript NM_005676.5 (MANE Select); coding-DNA position 1536, C replaced by T.
Protein change: p.Ala512=; no amino-acid change (alanine 512 retained).
Molecular consequence: synonymous variant.
Genome position (GRCh38, 1-based): chrX:47,181,607, C>T. VCF-style: chrX-47181607-C-T. GRCh37 (hg19) VCF-style: chrX-47041006-C-T.
Other names: c.1305C>T, p.Ala435= (NM_001204466.2); c.1533C>T, p.Ala511= (NM_001204467.2); c.1731C>T, p.Ala577= (NM_001204468.2); c.1302C>T, p.Ala434= (NM_152856.3).
Identifiers: ClinVar variation 719274 (VCV000719274.12), dbSNP rs143917116, ClinGen allele CA10395298.
Genomic context (GRCh38, chrX:47,181,607, plus strand): 5'-GATGCAGGCTTTCTCTCGCGCCCAGCCTGGTGCTGCTCCTGGCATCTACCAACAATCAGC[C>T]GAGGCGAGCAGTAGCCAGGGCACTGCTGCCAACAGCCAGGTGAGTGAGCCCTGTGGGTAT-3'
Protein context (NP_005667.2, residues 502-522): GAAPGIYQQS[Ala512=]EASSSQGTAA